The following is an entry in ClinVar:

NM_144651.5(PXDNL):c.3402C>G (p.Ala1134=)

Gene: PXDNL (peroxidasin like; minus strand). Cytogenetic location: 8q11.22.
Variant type: single nucleotide variant.
Coding change: c.3402C>G on transcript NM_144651.5 (MANE Select); coding-DNA position 3402, C replaced by G.
Protein change: p.Ala1134=; no amino-acid change (alanine 1134 retained).
Molecular consequence: synonymous variant.
Genome position (GRCh38, 1-based): chr8:51,408,222, G>C on the plus strand (C>G on the coding strand, the complement: PXDNL is on the minus strand). VCF-style: chr8-51408222-G-C. GRCh37 (hg19) VCF-style: chr8-52320782-G-C.
Identifiers: ClinVar variation 3053055 (VCV003053055.2), dbSNP rs749277291, ClinGen allele CA4744818.
Genomic context (GRCh38, chr8:51,408,222, plus strand): 5'-AACATATGGTGGGATCCCGTGGTCTCTACCCCTTTGAATGATGGTGGCAGCCGAATCCAC[G>C]GCCGCAGAATAAGCCGCGGAGAAGAGCCTCTGGGTCAGCTCAGGACTGAGAAGGTAGGAG-3'
Protein context (NP_653252.4, residues 1124-1144): QRLFSAAYSA[Ala1134=]VDSAATIIQR

ClinVar aggregate classification (germline): Likely benign (0 of 4 stars; one submission).

Conditions:
PXDNL-related disorder. Also called: PXDNL-related condition.

gnomAD v4.1: 9 of 1,614,014 alleles (0.00056%); highest among the groups gnomAD compares: East Asian, 0.0045%; no homozygotes.

Submission:

PreventionGenetics, part of Exact Sciences
Classification: Likely benign for PXDNL-related condition. Last evaluated: 2019-08-14. Review status: no assertion criteria provided. Collection method: clinical testing. Allele origin: germline.
Comment: This variant is classified as likely benign based on ACMG/AMP sequence variant interpretation guidelines (Richards et al. 2015 PMID: 25741868, with internal and published modifications).